The following is an entry in ClinVar:

NM_001122681.2(SH3BP2):c.5C>T (p.Ala2Val)

Gene: SH3BP2 (SH3 domain binding protein 2; plus strand). Cytogenetic location: 4p16.3.
Variant type: single nucleotide variant.
Coding change: c.5C>T on transcript NM_001122681.2 (MANE Select); coding-DNA position 5, C replaced by T.
Protein change: p.Ala2Val; replaces alanine 2 with valine.
Molecular consequence: missense variant.
Genome position (GRCh38, 1-based): chr4:2,820,622, C>T. VCF-style: chr4-2820622-C-T. GRCh37 (hg19) VCF-style: chr4-2822349-C-T.
Other names: c.89C>T, p.Ala30Val (NM_001145855.2); c.176C>T, p.Ala59Val (NM_001145856.2); c.5C>T, p.Ala2Val (NM_003023.4); short protein forms A30V, A59V, A2V.
Identifiers: ClinVar variation 4740357 (VCV004740357.1).

ClinVar aggregate classification (germline): Uncertain significance (1 of 4 stars; one submission).

Conditions:
Fibrous dysplasia of jaw (CRBM). Also called: Cherubism. Identifiers: Orphanet 184, MedGen C0008029, MONDO:0007315, OMIM 118400.

gnomAD v4.1: 17 of 1,614,008 alleles (0.0011%); highest among the groups gnomAD compares: South Asian, 0.0077%; no homozygotes.

Submission:

Labcorp Genetics (formerly Invitae), Labcorp
Classification: Uncertain significance for Fibrous dysplasia of jaw. Last evaluated: 2025-05-11. Review status: criteria provided, single submitter. Criteria: Invitae Variant Classification Sherloc (09022015). Collection method: clinical testing. Allele origin: germline.
Comment: This sequence change replaces alanine, which is neutral and non-polar, with valine, which is neutral and non-polar, at codon 2 of the SH3BP2 protein (p.Ala2Val). This variant is present in population databases (no rsID available, gnomAD 0.003%). This variant has not been reported in the literature in individuals affected with SH3BP2-related conditions. Invitae Evidence Modeling of protein sequence and biophysical properties (such as structural, functional, and spatial information, amino acid conservation, physicochemical variation, residue mobility, and thermodynamic stability) indicates that this missense variant is not expected to disrupt SH3BP2 protein function with a negative predictive value of 80%. In summary, the available evidence is currently insufficient to determine the role of this variant in disease. Therefore, it has been classified as a Variant of Uncertain Significance.